The following is an entry in ClinVar:

ClinVar aggregate classification (germline): Uncertain significance (1 of 4 stars; one submission).

Conditions:
Long QT syndrome (LQTS). Identifiers: MedGen C0023976, MeSH D008133, MONDO:0002442. Disease mechanism: loss of function. Inheritance: Various modes of inheritance.

Allele frequency attached by ClinVar (database versions not stated): ExAC 0.00002.
gnomAD v4.1: 8 of 1,598,618 alleles (0.0005%); highest among the groups gnomAD compares: South Asian, 0.009%; no homozygotes.

Submission:

Labcorp Genetics (formerly Invitae), Labcorp
Classification: Uncertain significance for Long QT syndrome. Last evaluated: 2025-04-27. Review status: criteria provided, single submitter. Criteria: Invitae Variant Classification Sherloc (09022015). Collection method: clinical testing. Allele origin: germline.
Comment: This sequence change replaces proline, which is neutral and non-polar, with threonine, which is neutral and polar, at codon 1796 of the CACNA1C protein (p.Pro1796Thr). The frequency data for this variant in the population databases is considered unreliable, as metrics indicate poor data quality at this position in the gnomAD database. This variant has not been reported in the literature in individuals affected with CACNA1C-related conditions. ClinVar contains an entry for this variant (Variation ID: 841028). Invitae Evidence Modeling of protein sequence and biophysical properties (such as structural, functional, and spatial information, amino acid conservation, physicochemical variation, residue mobility, and thermodynamic stability) indicates that this missense variant is not expected to disrupt CACNA1C protein function with a negative predictive value of 95%. In summary, the available evidence is currently insufficient to determine the role of this variant in disease. Therefore, it has been classified as a Variant of Uncertain Significance.

NM_000719.7(CACNA1C):c.5386C>A (p.Pro1796Thr)

Genes: CACNA1C (calcium voltage-gated channel subunit alpha1 C; plus strand), CACNA1C-AS1 (CACNA1C antisense RNA 1; minus strand). Cytogenetic location: 12p13.33.
Variant type: single nucleotide variant.
Coding change: c.5386C>A on transcript NM_000719.7 (MANE Select); coding-DNA position 5386, C replaced by A.
Protein change: p.Pro1796Thr; replaces proline 1796 with threonine.
Molecular consequence: missense variant.
Genome position (GRCh38, 1-based): chr12:2,679,738, C>A. VCF-style: chr12-2679738-C-A. GRCh37 (hg19) VCF-style: chr12-2788904-C-A.
Other names: c.5530C>A, p.Pro1844Thr (NM_001129827.2, NM_199460.4); c.5509C>A, p.Pro1837Thr (NM_001129829.2); c.5386C>A, p.Pro1796Thr (NM_001129830.3, NM_001129840.2, NM_001129841.2 and 4 more transcripts); c.5470C>A, p.Pro1824Thr (NM_001129831.2); c.5446C>A, p.Pro1816Thr (NM_001129832.2); c.5443C>A, p.Pro1815Thr (NM_001129833.2, NM_001129834.2, NM_001129835.2); c.5437C>A, p.Pro1813Thr (NM_001129836.2); c.5410C>A, p.Pro1804Thr (NM_001129837.2, NM_001129838.2); and 3 more; short protein forms P1813T, P1815T, P1824T, P1837T, P1816T, P1796T, P1785T, P1793T.
Identifiers: ClinVar variation 841028 (VCV000841028.10), dbSNP rs760430207, ClinGen allele CA6389768.
Genomic context (GRCh38, chr12:2,679,738, plus strand): 5'-GGTCGCCTCCCTCGCCCCGCCGGCTACCCCAGCACGGTCAGCACTGTGGAGGGCCACGGG[C>A]CCCCCTTGTCCCCTGCCATCCGGGTGCAGGAGGTGGCGTGGAAGCTCAGCTCCAACAGGT-3'
Protein context (NP_000710.5, residues 1786-1806): STVSTVEGHG[Pro1796Thr]PLSPAIRVQE